The following is an entry in ClinVar:

NM_001267550.2(TTN):c.22587A>C (p.Gly7529=)

Gene: TTN (titin; minus strand). Cytogenetic location: 2q31.2.
Variant type: single nucleotide variant.
Coding change: c.22587A>C on transcript NM_001267550.2 (MANE Select); coding-DNA position 22587, A replaced by C.
Protein change: p.Gly7529=; no amino-acid change (glycine 7529 retained).
Molecular consequence: synonymous variant. On other transcripts: intron variant (3).
Genome position (GRCh38, 1-based): chr2:178,722,076, T>G on the plus strand (A>C on the coding strand, the complement: TTN is on the minus strand). VCF-style: chr2-178722076-T-G. GRCh37 (hg19) VCF-style: chr2-179586803-T-G.
Other names: c.21636A>C, p.Gly7212= (NM_001256850.1); c.18855A>C, p.Gly6285= (NM_133378.4); c.13282+16006A>C (NM_003319.4); c.13858+16006A>C (NM_133437.4); c.13657+16006A>C (NM_133432.3).
Identifiers: ClinVar variation 758582 (VCV000758582.30), dbSNP rs751294966, ClinGen allele CA2000804.

ClinVar aggregate classification (germline): Likely benign. Review status: criteria provided, multiple submitters, no conflicts (2 of 4 stars). 2 submissions from 2 submitters: Likely benign (2). Last evaluated 2024-02-01.

Conditions:
Dilated cardiomyopathy 1G (CMD1G). Identifiers: Orphanet 154, MedGen C1858763, MONDO:0011400, OMIM 604145.
Autosomal recessive limb-girdle muscular dystrophy type 2J (LGMDR10). Also called: MUSCULAR DYSTROPHY, LIMB-GIRDLE, AUTOSOMAL RECESSIVE 10; Limb-girdle muscular dystrophy, type 2J. Identifiers: Orphanet 140922, MedGen C1837342, MONDO:0012127, OMIM 608807.

Allele frequency attached by ClinVar (database versions not stated): gnomAD exomes below 0.00001; ExAC 0.00001.
gnomAD v4.1: 2 of 1,610,810 alleles (0.00012%); highest among the groups gnomAD compares: Non-Finnish European, 0.00017%; no homozygotes.

Submissions (2):

CeGaT Center for Human Genetics Tuebingen
Classification: Likely benign. Last evaluated: 2024-02-01. Review status: criteria provided, single submitter. Criteria: CeGaT Center For Human Genetics Tuebingen Variant Classification Criteria Version 2. Collection method: clinical testing. Allele origin: germline. Affected: yes. Observed: 1 variant allele.
Comment: TTN: BP4, BP7

Labcorp Genetics (formerly Invitae), Labcorp
Classification: Likely benign for Dilated cardiomyopathy 1G; Autosomal recessive limb-girdle muscular dystrophy type 2J. Last evaluated: 2021-11-22. Review status: criteria provided, single submitter. Criteria: Invitae Variant Classification Sherloc (09022015). Collection method: clinical testing. Allele origin: germline.